The following is an entry in ClinVar:

ClinVar aggregate classification (germline): Uncertain significance. Review status: criteria provided, multiple submitters, no conflicts (2 of 4 stars). 2 submissions from 2 submitters: Uncertain significance (2). Last evaluated 2025-04-02.

Conditions:
Inborn genetic diseases. Identifiers: MedGen C0950123, MeSH D030342.

Submissions (2):

Ambry Genetics
Classification: Uncertain significance for Inborn genetic diseases. Last evaluated: 2025-04-02. Review status: criteria provided, single submitter. Criteria: Ambry Variant Classification Scheme 2023. Collection method: clinical testing. Allele origin: germline.
Comment: The c.568G>A (p.V190I) alteration is located in exon 2 (coding exon 2) of the IHH gene. This alteration results from a G to A substitution at nucleotide position 568, causing the valine (V) at amino acid position 190 to be replaced by an isoleucine (I). This variant was not reported in population-based cohorts in the Genome Aggregation Database (gnomAD). Another variant at the same codon, c.569C>T (p.V190A) has been identified in the homozygous state in one family with features including short stature, shortened limbs, brachydactyly, narrow thorax, and relative macrocephaly. Notably, heterozygous carriers in this family did not exhibit overt features of autosomal dominant brachydactyly, type A1 (Hellemans, 2003). This amino acid position is highly conserved in available vertebrate species. This missense alteration is located in a region that has a low rate of benign missense variation (Lek, 2016; Firth, 2009). This alteration is predicted to be deleterious by in silico analysis. Based on insufficient or conflicting evidence, the clinical significance of this alteration remains unclear.

Labcorp Genetics (formerly Invitae), Labcorp
Classification: Uncertain significance. Last evaluated: 2024-12-10. Review status: criteria provided, single submitter. Criteria: Invitae Variant Classification Sherloc (09022015). Collection method: clinical testing. Allele origin: germline.
Comment: This sequence change replaces valine, which is neutral and non-polar, with isoleucine, which is neutral and non-polar, at codon 190 of the IHH protein (p.Val190Ile). This variant is not present in population databases (gnomAD no frequency). This variant has not been reported in the literature in individuals affected with IHH-related conditions. Invitae Evidence Modeling of protein sequence and biophysical properties (such as structural, functional, and spatial information, amino acid conservation, physicochemical variation, residue mobility, and thermodynamic stability) indicates that this missense variant is expected to disrupt IHH protein function with a positive predictive value of 80%. In summary, the available evidence is currently insufficient to determine the role of this variant in disease. Therefore, it has been classified as a Variant of Uncertain Significance.

Literature cited by the submitters: PubMed 12632327 (cited by Ambry Genetics).

NM_002181.4(IHH):c.568G>A (p.Val190Ile)

Gene: IHH (Indian hedgehog signaling molecule; minus strand). Cytogenetic location: 2q35.
Variant type: single nucleotide variant.
Coding change: c.568G>A on transcript NM_002181.4 (MANE Select); coding-DNA position 568, G replaced by A.
Protein change: p.Val190Ile; replaces valine 190 with isoleucine.
Molecular consequence: missense variant.
Genome position (GRCh38, 1-based): chr2:219,057,442, C>T on the plus strand (G>A on the coding strand, the complement: IHH is on the minus strand). VCF-style: chr2-219057442-C-T. GRCh37 (hg19) VCF-style: chr2-219922164-C-T.
Other names: c.568G>A (NM_002181.3); short protein forms V190I.
Identifiers: ClinVar variation 3665946 (VCV003665946.4).